The following is an entry in ClinVar:

NM_016123.4(IRAK4):c.781del (p.Val261fs)

Gene: IRAK4 (interleukin 1 receptor associated kinase 4; plus strand). Cytogenetic location: 12q12.
Variant type: Deletion.
Coding change: c.781del on transcript NM_016123.4 (MANE Select); coding-DNA position 781, one base deleted (G; older notation c.781delG).
Protein change: p.Val261fs; shifts the reading frame from valine 261.
Molecular consequence: frameshift variant.
Genome position (GRCh38, 1-based): chr12:43,777,694, G deleted. VCF-style (leftmost placement, unchanged base first): chr12-43777693-AG-A. GRCh37 (hg19) VCF-style: chr12-44171496-AG-A.
Other names: c.781del, p.Val261fs (NM_001114182.3, NM_001351345.2); c.409del, p.Val137fs (NM_001145256.2, NM_001145257.2, NM_001145258.2 and 5 more transcripts); c.172del, p.Val58fs (NM_001351343.2, NM_001351344.2); short protein forms V261fs, V137fs, V58fs.
Identifiers: ClinVar variation 853817 (VCV000853817.1), dbSNP rs1941410085, ClinGen allele CA916082344.
Genomic context (GRCh38, chr12:43,777,693, plus strand): 5'-TCAACATGAAAACTTAGTAGAACTACTTGGTTTCTCAAGTGATGGAGATGACCTCTGCTT[AG>A]TATATGTTTACATGCCTAATGGTTCATTGCTAGACAGACTCTCTTGCTTGGTAAGCTATT-3'

ClinVar aggregate classification (germline): Pathogenic (1 of 4 stars; one submission).

Conditions:
Immunodeficiency 67. Also called: Immunodeficiency due to interleukin-1 receptor-associated kinase-4 deficiency. Identifiers: Orphanet 70592, MedGen C1843256, MONDO:0011888, OMIM 607676.

Submission:

Labcorp Genetics (formerly Invitae), Labcorp
Classification: Pathogenic for IRAK4 deficiency. Last evaluated: 2019-12-23. Review status: criteria provided, single submitter. Criteria: Invitae Variant Classification Sherloc (09022015). Collection method: clinical testing. Allele origin: germline.
Comment: This sequence change creates a premature translational stop signal (p.Val261Tyrfs*11) in the IRAK4 gene. It is expected to result in an absent or disrupted protein product. This variant is not present in population databases (ExAC no frequency). This variant has not been reported in the literature in individuals with IRAK4-related conditions. Loss-of-function variants in IRAK4 are known to be pathogenic (PMID: 17893200, 21057262). For these reasons, this variant has been classified as Pathogenic.